The following is an entry in ClinVar:

NM_007078.3(LDB3):c.2095-235G>C

Gene: LDB3 (LIM domain binding 3; plus strand). Cytogenetic location: 10q23.2.
Variant type: single nucleotide variant.
Coding change: c.2095-235G>C on transcript NM_007078.3 (MANE Select); 235 bases into the intron before coding-DNA position 2095, G replaced by C.
Molecular consequence: intron variant.
Genome position (GRCh38, 1-based): chr10:86,732,652, G>C. VCF-style: chr10-86732652-G-C. GRCh37 (hg19) VCF-style: chr10-88492409-G-C.
Other names: c.1906-235G>C (NM_001368064.1, NM_001368065.1); c.2110-235G>C (NM_001171610.2); c.1954-235G>C (NM_001368066.1); c.1765-235G>C (NM_001080114.2).
Identifiers: ClinVar variation 683022 (VCV000683022.2), dbSNP rs7899337, ClinGen allele CA5585326.

ClinVar aggregate classification (germline): Benign. Review status: criteria provided, multiple submitters, no conflicts (2 of 4 stars). 2 submissions from 2 submitters: Benign (2). Last evaluated 2018-06-14.

Allele frequency attached by ClinVar (database versions not stated): gnomAD exomes 0.35074 and 0.35328; TOPMed 0.36402; gnomAD 0.37498 and 0.37588; ExAC 0.37952; 1000 Genomes Project 30x 0.41365; 1000 Genomes Project 0.42232.
gnomAD v4.1: 183,138 of 512,070 alleles (36%); highest among the groups gnomAD compares: East Asian, 62%; 34,244 homozygotes.

Submissions (2):

GeneDx
Classification: Benign. Last evaluated: 2018-06-14. Review status: criteria provided, single submitter. Criteria: GeneDx Variant Classification (06012015). Collection method: clinical testing. Allele origin: germline. Affected: yes.
Comment: This variant is considered likely benign or benign based on one or more of the following criteria: it is a conservative change, it occurs at a poorly conserved position in the protein, it is predicted to be benign by multiple in silico algorithms, and/or has population frequency not consistent with disease.

Breakthrough Genomics
Classification: Benign. Review status: criteria provided, single submitter. Criteria: ACMG Guidelines, 2015. Collection method: not provided. Allele origin: germline. Inheritance: Autosomal dominant inheritance. Affected: yes.